The following is an entry in ClinVar:

ClinVar aggregate classification (germline): Uncertain significance (1 of 4 stars; one submission).

Submission:

Labcorp Genetics (formerly Invitae), Labcorp
Classification: Uncertain significance. Last evaluated: 2023-11-18. Review status: criteria provided, single submitter. Criteria: Invitae Variant Classification Sherloc (09022015). Collection method: clinical testing. Allele origin: germline.
Comment: This sequence change replaces asparagine, which is neutral and polar, with lysine, which is basic and polar, at codon 3782 of the KMT2A protein (p.Asn3782Lys). This variant is not present in population databases (gnomAD no frequency). This variant has not been reported in the literature in individuals affected with KMT2A-related conditions. Advanced modeling of protein sequence and biophysical properties (such as structural, functional, and spatial information, amino acid conservation, physicochemical variation, residue mobility, and thermodynamic stability) performed at Invitae indicates that this missense variant is not expected to disrupt KMT2A protein function with a negative predictive value of 95%. In summary, the available evidence is currently insufficient to determine the role of this variant in disease. Therefore, it has been classified as a Variant of Uncertain Significance.

NM_001197104.2(KMT2A):c.11346C>A (p.Asn3782Lys)

Genes: KMT2A (lysine methyltransferase 2A; plus strand), TTC36-AS1 (TTC36 and KMT2A antisense RNA 1; minus strand). Cytogenetic location: 11q23.3.
Variant type: single nucleotide variant.
Coding change: c.11346C>A on transcript NM_001197104.2 (MANE Select); coding-DNA position 11346, C replaced by A.
Protein change: p.Asn3782Lys; replaces asparagine 3782 with lysine.
Molecular consequence: missense variant.
Genome position (GRCh38, 1-based): chr11:118,519,981, C>A. VCF-style: chr11-118519981-C-A. GRCh37 (hg19) VCF-style: chr11-118390696-C-A.
Other names: c.11436C>A, p.Asn3812Lys (NM_001412597.1); c.11337C>A, p.Asn3779Lys (NM_005933.4); short protein forms N3779K, N3812K, N3782K.
Identifiers: ClinVar variation 2697008 (VCV002697008.3), dbSNP rs2497112609, ClinGen allele CA382833399.